The following is an entry in ClinVar:

NM_001366385.1(CARD14):c.202A>C (p.Met68Leu)

Gene: CARD14 (caspase recruitment domain family member 14; plus strand). Cytogenetic location: 17q25.3.
Variant type: single nucleotide variant.
Coding change: c.202A>C on transcript NM_001366385.1 (MANE Select); coding-DNA position 202, A replaced by C.
Protein change: p.Met68Leu; replaces methionine 68 with leucine.
Molecular consequence: missense variant. On other transcripts: non-coding transcript variant (1).
Genome position (GRCh38, 1-based): chr17:80,181,640, A>C. VCF-style: chr17-80181640-A-C. GRCh37 (hg19) VCF-style: chr17-78155439-A-C.
Other names: c.202A>C, p.Met68Leu (NM_001257970.1, NM_024110.4); short protein forms M68L.
Identifiers: ClinVar variation 844071 (VCV000844071.10), dbSNP rs1043628741, ClinGen allele CA294855892.

ClinVar aggregate classification (germline): Uncertain significance (1 of 4 stars; one submission).

Conditions:
Pityriasis rubra pilaris (PRP). Also called: Pityriasis rubra pilaris--familial type. Identifiers: Orphanet 2897, MedGen C0032027, MONDO:0100017, OMIM 173200, MONDO:0008251.
Psoriasis 2. Identifiers: MedGen C1864497, MONDO:0011269, OMIM 602723.

Allele frequency attached by ClinVar (database versions not stated): gnomAD exomes below 0.00001.
gnomAD v4.1: 1 of 1,547,986 alleles (0.000065%); highest among the groups gnomAD compares: Non-Finnish European, 0.000087%; no homozygotes.

Submission:

Labcorp Genetics (formerly Invitae), Labcorp
Classification: Uncertain significance for Pityriasis rubra pilaris; Psoriasis 2. Last evaluated: 2024-02-17. Review status: criteria provided, single submitter. Criteria: Invitae Variant Classification Sherloc (09022015). Collection method: clinical testing. Allele origin: germline.
Comment: This sequence change replaces methionine, which is neutral and non-polar, with leucine, which is neutral and non-polar, at codon 68 of the CARD14 protein (p.Met68Leu). This variant is not present in population databases (gnomAD no frequency). This variant has not been reported in the literature in individuals affected with CARD14-related conditions. ClinVar contains an entry for this variant (Variation ID: 844071). Advanced modeling of protein sequence and biophysical properties (such as structural, functional, and spatial information, amino acid conservation, physicochemical variation, residue mobility, and thermodynamic stability) performed at Invitae indicates that this missense variant is expected to disrupt CARD14 protein function with a positive predictive value of 80%. In summary, the available evidence is currently insufficient to determine the role of this variant in disease. Therefore, it has been classified as a Variant of Uncertain Significance.